The following is an entry in ClinVar:

NM_004415.4(DSP):c.4539C>A (p.Asp1513Glu)

Gene: DSP (desmoplakin; plus strand). Cytogenetic location: 6p24.3.
Variant type: single nucleotide variant.
Coding change: c.4539C>A on transcript NM_004415.4 (MANE Select); coding-DNA position 4539, C replaced by A.
Protein change: p.Asp1513Glu; replaces aspartic acid 1513 with glutamic acid.
Molecular consequence: missense variant. On other transcripts: intron variant (2).
Genome position (GRCh38, 1-based): chr6:7,580,729, C>A. VCF-style: chr6-7580729-C-A. GRCh37 (hg19) VCF-style: chr6-7580962-C-A.
Other names: c.4050+489C>A (NM_001319034.2); c.3582+957C>A (NM_001008844.3); short protein forms D1513E.
Identifiers: ClinVar variation 1386447 (VCV001386447.6), dbSNP rs1759406088, ClinGen allele CA362686534.

ClinVar aggregate classification (germline): Uncertain significance (1 of 4 stars; one submission).

Conditions:
Arrhythmogenic right ventricular dysplasia 8 (ARVD8). Also called: ARRHYTHMOGENIC RIGHT VENTRICULAR DYSPLASIA, FAMILIAL, 8; ARRHYTHMOGENIC RIGHT VENTRICULAR CARDIOMYOPATHY 8; Arrhythmogenic Right Ventricular Dysplasia/Cardiomyopathy 8. Identifiers: MedGen C1843896, MONDO:0011831, OMIM 607450.
Arrhythmogenic cardiomyopathy with wooly hair and keratoderma. Also called: Carvajal syndrome; Dilated cardiomyopathy with woolly hair and keratoderma; PALMOPLANTAR KERATODERMA WITH LEFT VENTRICULAR CARDIOMYOPATHY AND WOOLLY HAIR; Arrhythmogenic cardiomyopathy with woolly hair and keratoderma. Identifiers: Orphanet 65282, MedGen C1854063, MONDO:0011581, OMIM 605676.

Submission:

Labcorp Genetics (formerly Invitae), Labcorp
Classification: Uncertain significance for Arrhythmogenic cardiomyopathy with wooly hair and keratoderma; Arrhythmogenic right ventricular dysplasia 8. Last evaluated: 2021-10-12. Review status: criteria provided, single submitter. Criteria: Invitae Variant Classification Sherloc (09022015). Collection method: clinical testing. Allele origin: germline.
Comment: In summary, the available evidence is currently insufficient to determine the role of this variant in disease. Therefore, it has been classified as a Variant of Uncertain Significance. Algorithms developed to predict the effect of missense changes on protein structure and function output the following: SIFT: "Tolerated"; PolyPhen-2: "Benign"; Align-GVGD: "Class C0". The glutamic acid amino acid residue is found in multiple mammalian species, which suggests that this missense change does not adversely affect protein function. This variant has not been reported in the literature in individuals affected with DSP-related conditions. This variant is not present in population databases (ExAC no frequency). This sequence change replaces aspartic acid with glutamic acid at codon 1513 of the DSP protein (p.Asp1513Glu). The aspartic acid residue is moderately conserved and there is a small physicochemical difference between aspartic acid and glutamic acid.